The following is an entry in ClinVar:

NM_001349798.2(FBXW7):c.1177C>T (p.Arg393Ter)

Gene: FBXW7 (F-box and WD repeat domain containing 7; minus strand). Cytogenetic location: 4q31.3.
Variant type: single nucleotide variant.
Coding change: c.1177C>T on transcript NM_001349798.2 (MANE Select); coding-DNA position 1177, C replaced by T.
Protein change: p.Arg393Ter; replaces arginine 393 with a stop codon.
Molecular consequence: nonsense.
Genome position (GRCh38, 1-based): chr4:152,329,731, G>A on the plus strand (C>T on the coding strand, the complement: FBXW7 is on the minus strand). VCF-style: chr4-152329731-G-A. GRCh37 (hg19) VCF-style: chr4-153250883-G-A.
Other names: c.823C>T, p.Arg275Ter (NM_001013415.2); c.937C>T, p.Arg313Ter (NM_018315.5); c.1177C>T, p.Arg393Ter (NM_033632.3); short protein forms R275*, R313*, R393*.
Identifiers: ClinVar variation 1684078 (VCV001684078.4), dbSNP rs2126525665, ClinGen allele CA358619253.
Genomic context (GRCh38, chr4:152,329,731, plus strand): 5'-CTTTGCCTGTGACTGCTGACCAAACTTTTAAAGTGTTGTCATCAGAACCACTAACTATTC[G>A]GTTACCACAAAACTGTAAGCATGTGATCACATGATCATCATGTCCTTTCAGCACCTATAA-3'

ClinVar aggregate classification (germline): Pathogenic (1 of 4 stars; one submission).
ClinVar aggregate classification (somatic clinical impact): Tier II - Potential (1 of 4 stars; one submission).

Conditions:
Medulloblastoma WNT activated. Identifiers: MedGen C4331965, MONDO:0850196.

Submissions (2):

GeneDx
Classification: Pathogenic. Last evaluated: 2025-06-09. Review status: criteria provided, single submitter. Criteria: GeneDx Variant Classification Process June 2021. Collection method: clinical testing. Allele origin: germline. Affected: yes.
Comment: Nonsense variant predicted to result in protein truncation or nonsense mediated decay in a gene for which loss of function is a known mechanism of disease; Not observed at significant frequency in large population cohorts (gnomAD); Has not been previously published as pathogenic or benign to our knowledge

Institute for Genomic Medicine (IGM) Clinical Laboratory, Nationwide Children's Hospital
Classification: Tier II - Potential for Medulloblastoma WNT activated. Assertion type: diagnostic. Clinical significance: supports diagnosis. Last evaluated: 2022-12-20. Review status: criteria provided, single submitter. Criteria: AMP/ASCO/CAP Guidelines, 2017. Collection method: clinical testing. Allele origin: somatic. Affected: yes.
Comment: Variant has Tier II (potential) clinical significance as a diagnostic inclusion criterion in medulloblastoma WNT activated, based on the following evidence: 1) Documented in one or more cancer databases (e.g., St. Jude Pecan, COSMIC, CIViC, OncoKB). 2) Information in the literature supports potential biologic effect of variant. 3) Diagnostic significance based on multiple small studies (Evidence Level C; PMIDs: 28726821, 33502920).

Literature cited by the submitters: PubMed 28726821 (cited by Institute for Genomic Medicine (IGM) Clinical Laboratory, Nationwide Children's Hospital); PubMed 33502920 (cited by Institute for Genomic Medicine (IGM) Clinical Laboratory, Nationwide Children's Hospital).